The following is an entry in ClinVar:

ClinVar aggregate classification (germline): Pathogenic (1 of 4 stars; one submission).

Submission:

Labcorp Genetics (formerly Invitae), Labcorp
Classification: Pathogenic. Last evaluated: 2023-04-06. Review status: criteria provided, single submitter. Criteria: Invitae Variant Classification Sherloc (09022015). Collection method: clinical testing. Allele origin: germline.
Comment: For these reasons, this variant has been classified as Pathogenic. This sequence change creates a premature translational stop signal (p.Val539Alafs*11) in the MTTP gene. It is expected to result in an absent or disrupted protein product. Loss-of-function variants in MTTP are known to be pathogenic (PMID: 8533758, 9671739). This variant is not present in population databases (gnomAD no frequency). This variant has not been reported in the literature in individuals affected with MTTP-related conditions.

Literature cited by the submitters: PubMed 8533758; PubMed 9671739.

NM_001386140.1(MTTP):c.1616_1617del (p.Val539fs)

Gene: MTTP (microsomal triglyceride transfer protein; plus strand). Cytogenetic location: 4q23.
Variant type: Microsatellite.
Coding change: c.1616_1617del on transcript NM_001386140.1 (MANE Select); coding-DNA positions 1616 to 1617, 2 bases deleted (TG; older notation c.1616_1617delTG).
Protein change: p.Val539fs; shifts the reading frame from valine 539.
Molecular consequence: frameshift variant.
Genome position (GRCh38, 1-based): chr4:99,608,824-99,608,825, TG deleted; deleting any 2 consecutive bases within chr4:99,608,822-99,608,825 gives the same sequence; the c. name uses the placement nearest the transcript's 3' end. VCF-style (leftmost placement, unchanged base first): chr4-99608821-CTG-C. GRCh37 (hg19) VCF-style: chr4-100529978-CTG-C.
Other names: c.1616_1617del, p.Val539fs (NM_000253.4); c.1367_1368del, p.Val456fs (NM_001300785.2); short protein forms V539fs, V456fs.
Identifiers: ClinVar variation 1437947 (VCV001437947.6), dbSNP rs2110230118, ClinGen allele CA2580616121.